The following is an entry in ClinVar:

ClinVar aggregate classification (germline): Uncertain significance (1 of 4 stars; one submission).

Conditions:
Infantile spasms. Also called: Infantile spasm. Identifiers: MedGen C3887898, HP:0012469.

gnomAD v4.1: 5 of 1,614,176 alleles (0.00031%); highest among the groups gnomAD compares: Admixed American, 0.0033%; no homozygotes.

Submission:

Labcorp Genetics (formerly Invitae), Labcorp
Classification: Uncertain significance for Infantile spasms. Last evaluated: 2023-07-14. Review status: criteria provided, single submitter. Criteria: Invitae Variant Classification Sherloc (09022015). Collection method: clinical testing. Allele origin: germline.
Comment: This sequence change replaces asparagine, which is neutral and polar, with lysine, which is basic and polar, at codon 550 of the PIK3AP1 protein (p.Asn550Lys). This variant is present in population databases (rs749043096, gnomAD 0.006%). In summary, the available evidence is currently insufficient to determine the role of this variant in disease. Therefore, it has been classified as a Variant of Uncertain Significance. An algorithm developed to predict the effect of missense changes on protein structure and function (PolyPhen-2) suggests that this variant is likely to be tolerated. This variant has not been reported in the literature in individuals affected with PIK3AP1-related conditions.

NM_152309.3(PIK3AP1):c.1650C>G (p.Asn550Lys)

Gene: PIK3AP1 (phosphoinositide-3-kinase adaptor protein 1; minus strand). Cytogenetic location: 10q24.1.
Variant type: single nucleotide variant.
Coding change: c.1650C>G on transcript NM_152309.3 (MANE Select); coding-DNA position 1650, C replaced by G.
Protein change: p.Asn550Lys; replaces asparagine 550 with lysine.
Molecular consequence: missense variant.
Genome position (GRCh38, 1-based): chr10:96,626,727, G>C on the plus strand (C>G on the coding strand, the complement: PIK3AP1 is on the minus strand). VCF-style: chr10-96626727-G-C. GRCh37 (hg19) VCF-style: chr10-98386484-G-C.
Other names: short protein forms N550K.
Identifiers: ClinVar variation 2881137 (VCV002881137.3), dbSNP rs749043096, ClinGen allele CA5626207.